The following is an entry in ClinVar:

ClinVar aggregate classification (germline): Uncertain significance (1 of 4 stars; one submission).

Conditions:
Hereditary nonpolyposis colorectal neoplasms. Identifiers: MedGen C0009405, MeSH D003123.

Submission:

Labcorp Genetics (formerly Invitae), Labcorp
Classification: Uncertain significance for Hereditary nonpolyposis colorectal neoplasms. Last evaluated: 2023-04-28. Review status: criteria provided, single submitter. Criteria: Invitae Variant Classification Sherloc (09022015). Collection method: clinical testing. Allele origin: germline.
Comment: Information on the frequency of this variant in the gnomAD database is not available, as this variant may be reported differently in the database. In summary, the available evidence is currently insufficient to determine the role of this variant in disease. Therefore, it has been classified as a Variant of Uncertain Significance. Experimental studies and prediction algorithms are not available or were not evaluated, and the functional significance of this variant is currently unknown. This variant has not been reported in the literature in individuals affected with PMS2-related conditions. This sequence change replaces valine, which is neutral and non-polar, with leucine, which is neutral and non-polar, at codon 501 of the PMS2 protein (p.Val501Leu).

NM_000535.7(PMS2):c.1500_1501delinsTC (p.Val501Leu)

Gene: PMS2 (PMS1 homolog 2, mismatch repair system component; minus strand). Cytogenetic location: 7p22.1.
Variant type: Indel.
Coding change: c.1500_1501delinsTC on transcript NM_000535.7 (MANE Select); coding-DNA positions 1500 to 1501, CG replaced by TC.
Protein change: p.Val501Leu; replaces valine 501 with leucine.
Molecular consequence: missense variant. On other transcripts: non-coding transcript variant (1), intron variant (1).
Genome position (GRCh38, 1-based): chr7:5,987,264-5,987,265, CG replaced by GA on the plus strand (CG replaced by TC on the coding strand, the reverse complement: PMS2 is on the minus strand). VCF-style: chr7-5987264-CG-GA. GRCh37 (hg19) VCF-style: chr7-6026895-CG-GA.
Other names: c.1095_1096delinsTC, p.Val366Leu (NM_001406890.1, NM_001406894.1, NM_001406891.1 and 16 more transcripts); c.1035_1036delinsTC, p.Val346Leu (NM_001406900.1); c.1026_1027delinsTC, p.Val343Leu (NM_001406901.1, NM_001406902.1); c.804-4274_804-4273delinsTC (NM_001406912.1); c.1095_1096delCGinsTC, p.Val366Leu (NM_001018040.1); c.1344_1345delinsTC, p.Val449Leu (NM_001322006.2, NM_001406870.1); c.1182_1183delinsTC, p.Val395Leu (NM_001322007.2, NM_001322008.2, NM_001406876.1 and 2 more transcripts); c.939_940delinsTC, p.Val314Leu (NM_001322010.2, NM_001406906.1, NM_001406907.1); and 14 more; short protein forms V310L, V366L, V379L, V389L, V395L, V330L, V501L, V509L.
Identifiers: ClinVar variation 2860157 (VCV002860157.3), dbSNP rs2535780664, ClinGen allele CA2739266252.